The following is an entry in ClinVar:

NM_016616.5(NME8):c.725C>T (p.Pro242Leu)

Gene: NME8 (NME/NM23 family member 8; plus strand). Cytogenetic location: 7p14.1.
Variant type: single nucleotide variant.
Coding change: c.725C>T on transcript NM_016616.5 (MANE Select); coding-DNA position 725, C replaced by T.
Protein change: p.Pro242Leu; replaces proline 242 with leucine.
Molecular consequence: missense variant.
Genome position (GRCh38, 1-based): chr7:37,867,805, C>T. VCF-style: chr7-37867805-C-T. GRCh37 (hg19) VCF-style: chr7-37907407-C-T.
Other names: short protein forms P242L.
Identifiers: ClinVar variation 2704580 (VCV002704580.3), dbSNP rs2483631959, ClinGen allele CA367222959.

ClinVar aggregate classification (germline): Uncertain significance (1 of 4 stars; one submission).

Conditions:
Primary ciliary dyskinesia 6. Also called: Primary Ciliary Dyskinesia 6: TXNDC3-Related Primary Ciliary Dyskinesia. Identifiers: Orphanet 244, MedGen C1970506, MONDO:0012571, OMIM 610852.

Submission:

Labcorp Genetics (formerly Invitae), Labcorp
Classification: Uncertain significance for Primary ciliary dyskinesia 6. Last evaluated: 2024-01-31. Review status: criteria provided, single submitter. Criteria: Invitae Variant Classification Sherloc (09022015). Collection method: clinical testing. Allele origin: germline.
Comment: This sequence change replaces proline, which is neutral and non-polar, with leucine, which is neutral and non-polar, at codon 242 of the NME8 protein (p.Pro242Leu). This variant is not present in population databases (gnomAD no frequency). This variant has not been reported in the literature in individuals affected with NME8-related conditions. Advanced modeling of protein sequence and biophysical properties (such as structural, functional, and spatial information, amino acid conservation, physicochemical variation, residue mobility, and thermodynamic stability) performed at Invitae indicates that this missense variant is not expected to disrupt NME8 protein function with a negative predictive value of 80%. In summary, the available evidence is currently insufficient to determine the role of this variant in disease. Therefore, it has been classified as a Variant of Uncertain Significance.